The following is an entry in ClinVar:

ClinVar aggregate classification (germline): Uncertain significance. Review status: criteria provided, multiple submitters, no conflicts (2 of 4 stars). 4 submissions from 4 submitters: Uncertain significance (4). Last evaluated 2025-04-02.

Conditions:
Von Hippel-Lindau syndrome (VHLS). Also called: Von Hippel-Lindau; VHL syndrome; von Hippel–Lindau syndrome. Identifiers: Orphanet 892, MedGen C0019562, MONDO:0008667, OMIM 193300. Disease mechanism: loss of function.
Chuvash polycythemia. Also called: POLYCYTHEMIA, VHL-DEPENDENT. Identifiers: Orphanet 238557, MedGen C1837915, MONDO:0009892, OMIM 263400.
Hereditary cancer-predisposing syndrome. Also called: Hereditary neoplastic syndrome; Neoplastic Syndromes, Hereditary; Tumor predisposition; Hereditary Cancer Syndrome. Identifiers: Orphanet 140162, MedGen C0027672, MeSH D009386, MONDO:0015356.
Pheochromocytoma. Also called: MAX-Related Hereditary Paraganglioma-Pheochromocytoma Syndrome. Identifiers: Orphanet 29072, MedGen C0031511, MONDO:0008233, OMIM 171300, HP:0002666.
Nonpapillary renal cell carcinoma. Identifiers: Orphanet 422526, MedGen CN074294, MONDO:0007763, OMIM 144700.

Submissions (4):

Quest Diagnostics Nichols Institute San Juan Capistrano
Classification: Uncertain significance. Last evaluated: 2025-04-02. Review status: criteria provided, single submitter. Criteria: Quest Diagnostics criteria. Collection method: clinical testing. Allele origin: unknown.

Fulgent Genetics
Classification: Uncertain significance for Nonpapillary renal cell carcinoma; Pheochromocytoma; Von Hippel-Lindau syndrome; Chuvash polycythemia. Last evaluated: 2024-03-06. Review status: criteria provided, single submitter. Criteria: ACMG Guidelines, 2015. Collection method: clinical testing. Allele origin: germline.

Labcorp Genetics (formerly Invitae), Labcorp
Classification: Uncertain significance for Von Hippel-Lindau syndrome; Chuvash polycythemia. Last evaluated: 2023-08-07. Review status: criteria provided, single submitter. Criteria: Invitae Variant Classification Sherloc (09022015). Collection method: clinical testing. Allele origin: germline.
Comment: In summary, the available evidence is currently insufficient to determine the role of this variant in disease. Therefore, it has been classified as a Variant of Uncertain Significance. Advanced modeling of protein sequence and biophysical properties (such as structural, functional, and spatial information, amino acid conservation, physicochemical variation, residue mobility, and thermodynamic stability) performed at Invitae indicates that this missense variant is not expected to disrupt VHL protein function. ClinVar contains an entry for this variant (Variation ID: 411981). This variant has not been reported in the literature in individuals affected with VHL-related conditions. This variant is not present in population databases (gnomAD no frequency). This sequence change replaces glutamic acid, which is acidic and polar, with aspartic acid, which is acidic and polar, at codon 10 of the VHL protein (p.Glu10Asp).

Ambry Genetics
Classification: Uncertain significance for Hereditary cancer-predisposing syndrome. Last evaluated: 2023-06-23. Review status: criteria provided, single submitter. Criteria: Ambry Variant Classification Scheme 2023. Collection method: clinical testing. Allele origin: germline.
Comment: The p.E10D variant (also known as c.30G>T), located in coding exon 1 of the VHL gene, results from a G to T substitution at nucleotide position 30. The glutamic acid at codon 10 is replaced by aspartic acid, an amino acid with highly similar properties. This amino acid position is well conserved in available vertebrate species. In addition, this alteration is predicted to be tolerated by in silico analysis. Since supporting evidence is limited at this time, the clinical significance of this alteration remains unclear.

NM_000551.4(VHL):c.30G>T (p.Glu10Asp)

Gene: VHL (von Hippel-Lindau tumor suppressor; plus strand). Cytogenetic location: 3p25.3.
Variant type: single nucleotide variant.
Coding change: c.30G>T on transcript NM_000551.4 (MANE Select); coding-DNA position 30, G replaced by T.
Protein change: p.Glu10Asp; replaces glutamic acid 10 with aspartic acid.
Molecular consequence: missense variant.
Genome position (GRCh38, 1-based): chr3:10,141,877, G>T. VCF-style: chr3-10141877-G-T. GRCh37 (hg19) VCF-style: chr3-10183561-G-T.
Other names: c.30G>T, p.Glu10Asp (NM_001354723.2, NM_198156.3); short protein forms E10D.
Identifiers: ClinVar variation 411981 (VCV000411981.14), dbSNP rs963501454, ClinGen allele CA16611059.